The following is an entry in ClinVar:

NM_000112.4(SLC26A2):c.782C>G (p.Ser261Cys)

Gene: SLC26A2 (solute carrier family 26 member 2; plus strand). Cytogenetic location: 5q32.
Variant type: single nucleotide variant.
Coding change: c.782C>G on transcript NM_000112.4 (MANE Select); coding-DNA position 782, C replaced by G.
Protein change: p.Ser261Cys; replaces serine 261 with cysteine.
Molecular consequence: missense variant.
Genome position (GRCh38, 1-based): chr5:149,980,375, C>G. VCF-style: chr5-149980375-C-G. GRCh37 (hg19) VCF-style: chr5-149359938-C-G.
Other names: short protein forms S261C.
Identifiers: ClinVar variation 426387 (VCV000426387.20), dbSNP rs114260147, ClinGen allele CA3505321.

ClinVar aggregate classification (germline): Uncertain significance. Review status: criteria provided, multiple submitters, no conflicts (2 of 4 stars). 15 submissions from 8 submitters: Uncertain significance (14). 1 of the submissions does not count toward it. Last evaluated 2026-09-05.

Conditions:
Diastrophic dysplasia (DTD). Also called: Diastrophic dwarfism. Identifiers: Orphanet 628, MedGen C0220726, MONDO:0009107, OMIM 222600.
Atelosteogenesis type II (AO2). Also called: NEONATAL OSSEOUS DYSPLASIA I; Neonatal osseous dysplasia 1; SLC26A2-Related Atelosteogenesis. Identifiers: Orphanet 56304, MedGen C1850554, MONDO:0009727, OMIM 256050.
Multiple epiphyseal dysplasia type 4 (EDM4). Also called: Multiple Epiphyseal Dysplasia, Recessive; MULTIPLE EPIPHYSEAL DYSPLASIA WITH BILAYERED PATELLAE; MULTIPLE EPIPHYSEAL DYSPLASIA WITH CLUBFOOT; MULTIPLE EPIPHYSEAL DYSPLASIA, AUTOSOMAL RECESSIVE; SLC26A2-Related Multiple Epiphyseal Dysplasia. Identifiers: Orphanet 93307, MedGen C1847593, MONDO:0009189, OMIM 226900.
Sulfate transporter-related osteochondrodysplasia. Also called: DTDST-related dysplasias. Identifiers: MedGen CN120497. Disease mechanism: loss of function.
Achondrogenesis, type IB (ACG1B). Also called: Achondrogenesis Type 1B. Identifiers: Orphanet 932, Orphanet 93298, MedGen C0265274, MONDO:0010966, OMIM 600972.

Allele frequency attached by ClinVar (database versions not stated): 1000 Genomes Project 0.00020; 1000 Genomes Project 30x 0.00031; ESP Exome Variant Server 0.00062; gnomAD exomes 0.00065 and 0.00075; gnomAD 0.00075 and 0.00076; TOPMed 0.00080; ExAC 0.00082.
gnomAD v4.1: 1,069 of 1,614,118 alleles (0.066%); highest among the groups gnomAD compares: Middle Eastern, 0.25%; no homozygotes.

Submissions (15):

GeneDx
Classification: Uncertain significance. Last evaluated: 2026-09-05. Review status: criteria provided, single submitter. Criteria: GeneDx Variant Classification Process June 2021. Collection method: clinical testing. Allele origin: germline.
Comment: Observed in two half-siblings with Crohn's disease; these individuals also harbored a missense variant in the CTLA4 gene that was stated by the authors to be associated with the reported disease (PMID: 25367873); In silico analysis supports that this missense variant has a deleterious effect on protein structure/function; This variant is associated with the following publications: (PMID: 25367873)

Blueprint Genetics
Classification: Uncertain significance. Last evaluated: 2024-11-22. Review status: criteria provided, single submitter. Criteria: ACMG Guidelines, 2015. Collection method: clinical testing. Allele origin: germline.

Labcorp Genetics (formerly Invitae), Labcorp
Classification: Uncertain significance for Atelosteogenesis type II; Multiple epiphyseal dysplasia type 4; Achondrogenesis, type IB; Diastrophic dysplasia. Last evaluated: 2022-10-25. Review status: criteria provided, single submitter. Criteria: Invitae Variant Classification Sherloc (09022015). Collection method: clinical testing. Allele origin: germline.
Comment: This sequence change replaces serine, which is neutral and polar, with cysteine, which is neutral and slightly polar, at codon 261 of the SLC26A2 protein (p.Ser261Cys). This variant is present in population databases (rs114260147, gnomAD 0.1%), and has an allele count higher than expected for a pathogenic variant. This variant has not been reported in the literature in individuals affected with SLC26A2-related conditions. ClinVar contains an entry for this variant (Variation ID: 426387). Advanced modeling of protein sequence and biophysical properties (such as structural, functional, and spatial information, amino acid conservation, physicochemical variation, residue mobility, and thermodynamic stability) performed at Invitae indicates that this missense variant is not expected to disrupt SLC26A2 protein function. In summary, the available evidence is currently insufficient to determine the role of this variant in disease. Therefore, it has been classified as a Variant of Uncertain Significance.

Women's Health and Genetics/Laboratory Corporation of America, LabCorp
Classification: Uncertain significance. Last evaluated: 2022-08-05. Review status: criteria provided, single submitter. Criteria: LabCorp Variant Classification Summary - May 2015. Collection method: clinical testing. Allele origin: germline.
Comment: Variant summary: SLC26A2 c.782C>G (p.Ser261Cys) results in a non-conservative amino acid change located in the SLC26A/SulP transporter domain (IPR011547) of the encoded protein sequence. Five of five in-silico tools predict a damaging effect of the variant on protein function. The variant allele was found at a frequency of 0.00075 in 251362 control chromosomes (gnomAD). This frequency is not significantly higher than expected for a pathogenic variant in SLC26A2 causing Sulfate Transporter-Related Osteochondrodysplasia (0.00075 vs 0.003), allowing no conclusion about variant significance. To our knowledge, no occurrence of c.782C>G in individuals affected with Sulfate Transporter-Related Osteochondrodysplasia and no experimental evidence demonstrating its impact on protein function have been reported. Five clinical diagnostic laboratories have submitted clinical-significance assessments for this variant to ClinVar after 2014 and all classified the variant as uncertain significance. Based on the evidence outlined above, the variant was classified as uncertain significance.

Genome-Nilou Lab
Classification: Uncertain significance for Achondrogenesis, type IB. Last evaluated: 2021-07-22. Review status: criteria provided, single submitter. Criteria: ACMG Guidelines, 2015. Collection method: clinical testing. Allele origin: germline. Affected: no.

Genome-Nilou Lab
Classification: Uncertain significance for Atelosteogenesis type II. Last evaluated: 2021-07-22. Review status: criteria provided, single submitter. Criteria: ACMG Guidelines, 2015. Collection method: clinical testing. Allele origin: germline. Affected: no.

Genome-Nilou Lab
Classification: Uncertain significance for Diastrophic dysplasia. Last evaluated: 2021-07-22. Review status: criteria provided, single submitter. Criteria: ACMG Guidelines, 2015. Collection method: clinical testing. Allele origin: germline. Affected: no.

Genome-Nilou Lab
Classification: Uncertain significance for Multiple epiphyseal dysplasia type 4. Last evaluated: 2021-07-22. Review status: criteria provided, single submitter. Criteria: ACMG Guidelines, 2015. Collection method: clinical testing. Allele origin: germline. Affected: no.

Illumina Laboratory Services, Illumina
Classification: Uncertain significance for Osteochondrodysplasia. Last evaluated: 2018-01-12. Review status: criteria provided, single submitter. Criteria: ICSL Variant Classification Criteria 13 December 2019. Collection method: clinical testing. Allele origin: germline.

Illumina Laboratory Services, Illumina
Classification: Uncertain significance for Achondrogenesis, type IB. Last evaluated: 2018-01-12. Review status: criteria provided, single submitter. Criteria: ICSL Variant Classification Criteria 13 December 2019. Collection method: clinical testing. Allele origin: germline.

Illumina Laboratory Services, Illumina
Classification: Uncertain significance for Atelosteogenesis type II. Last evaluated: 2018-01-12. Review status: criteria provided, single submitter. Criteria: ICSL Variant Classification Criteria 13 December 2019. Collection method: clinical testing. Allele origin: germline.

Illumina Laboratory Services, Illumina
Classification: Uncertain significance for Multiple epiphyseal dysplasia type 4. Last evaluated: 2018-01-12. Review status: criteria provided, single submitter. Criteria: ICSL Variant Classification Criteria 13 December 2019. Collection method: clinical testing. Allele origin: germline.

Illumina Laboratory Services, Illumina
Classification: Uncertain significance for Diastrophic dysplasia. Last evaluated: 2018-01-12. Review status: criteria provided, single submitter. Criteria: ICSL Variant Classification Criteria 13 December 2019. Collection method: clinical testing. Allele origin: germline.

Breakthrough Genomics
Classification: Uncertain significance. Review status: criteria provided, single submitter. Criteria: ACMG Guidelines, 2015. Collection method: not provided. Allele origin: germline. Inheritance: Autosomal recessive inheritance. Affected: yes.

Natera, Inc.
Classification: Uncertain significance for Achondrogenesis type IB. Last evaluated: 2020-01-17. Review status: no assertion criteria provided. Collection method: clinical testing. Allele origin: germline. Not counted in ClinVar's aggregate classification.